The following is an entry in ClinVar:

ClinVar aggregate classification (germline): Likely pathogenic. Review status: criteria provided, single submitter (1 of 4 stars). 5 submissions from 5 submitters: Likely pathogenic (1). 4 of the submissions do not count toward it. Last evaluated 2019-01-01.

Conditions:
Microcephalic osteodysplastic primordial dwarfism type II (MOPD2). Also called: Microcephalic osteodysplastic primordial dwarfism with tooth abnormalities; MOPD II; OSTEODYSPLASTIC PRIMORDIAL DWARFISM, TYPE II. Identifiers: Orphanet 2637, MedGen C0432246, MONDO:0008872, OMIM 210720.

Allele frequency attached by ClinVar (database versions not stated): ExAC 0.00001; gnomAD exomes 0.00001 and 0.00002.
gnomAD v4.1: 9 of 1,613,772 alleles (0.00056%); highest among the groups gnomAD compares: South Asian, 0.0099%; no homozygotes.

Submissions (5):

Institute of Human Genetics, University of Leipzig Medical Center
Classification: Likely pathogenic for Microcephalic osteodysplastic primordial dwarfism type II. Last evaluated: 2019-01-01. Review status: criteria provided, single submitter. Criteria: ACMG Guidelines, 2015. Collection method: clinical testing. Allele origin: unknown. Affected: yes.

OMIM
Classification: Pathogenic for MICROCEPHALIC OSTEODYSPLASTIC PRIMORDIAL DWARFISM, TYPE II. Last evaluated: 2021-02-02. Review status: no assertion criteria provided. Collection method: literature only. Allele origin: germline. Not counted in ClinVar's aggregate classification.

GeneReviews
No classification provided. Condition: Microcephalic osteodysplastic primordial dwarfism type II. Review status: no classification provided. Collection method: literature only. Allele origin: germline. Not counted in ClinVar's aggregate classification.
Comment: Founder variant in Israeli Druze population

Service de Génétique Moléculaire, Hôpital Robert Debré
Classification: Likely pathogenic for Microcephalic osteodysplastic primordial dwarfism type II. Review status: no assertion criteria provided. Collection method: clinical testing. Allele origin: unknown. Affected: yes. Not counted in ClinVar's aggregate classification.

The Genetics Institute, Rambam Health Care Campus
Classification: Pathogenic for Microcephalic osteodysplastic primordial dwarfism type II. Review status: no assertion criteria provided. Collection method: clinical testing. Allele origin: inherited. Inheritance: Autosomal recessive inheritance. Affected: yes. Observed: 2 homozygotes. Not counted in ClinVar's aggregate classification.

Literature cited by the submitters: PubMed 30922925 (cited by OMIM and GeneReviews); NCBI Bookshelf NBK575926 (cited by GeneReviews).

NM_006031.6(PCNT):c.3465-1G>A

Gene: PCNT (pericentrin; plus strand). Cytogenetic location: 21q22.3.
Variant type: single nucleotide variant.
Coding change: c.3465-1G>A on transcript NM_006031.6 (MANE Select); the canonical splice acceptor site of the intron before coding-DNA position 3465, G replaced by A.
Molecular consequence: splice acceptor variant.
Genome position (GRCh38, 1-based): chr21:46,388,741, G>A. VCF-style: chr21-46388741-G-A. GRCh37 (hg19) VCF-style: chr21-47808656-G-A.
Other names: IVS17AS, G-A, -1; c.3111-1G>A (NM_001315529.2).
Identifiers: ClinVar variation 619502 (VCV000619502.8), dbSNP rs755084205, ClinGen allele CA10079332.